The following is an entry in ClinVar:

NM_000260.4(MYO7A):c.3637C>T (p.Arg1213Trp)

Gene: MYO7A (myosin VIIA; plus strand). Cytogenetic location: 11q13.5.
Variant type: single nucleotide variant.
Coding change: c.3637C>T on transcript NM_000260.4 (MANE Select); coding-DNA position 3637, C replaced by T.
Protein change: p.Arg1213Trp; replaces arginine 1213 with tryptophan.
Molecular consequence: missense variant.
Genome position (GRCh38, 1-based): chr11:77,190,026, C>T. VCF-style: chr11-77190026-C-T. GRCh37 (hg19) VCF-style: chr11-76901071-C-T.
Other names: c.3637C>T (NM_000260.3); c.3637C>T, p.Arg1213Trp (NM_001127180.2); c.3604C>T, p.Arg1202Trp (NM_001369365.1); short protein forms R1202W, R1213W.
Identifiers: ClinVar variation 2181095 (VCV002181095.5), dbSNP rs772481987, ClinGen allele CA6198152.

ClinVar aggregate classification (germline): Uncertain significance. Review status: criteria provided, multiple submitters, no conflicts (2 of 4 stars). 3 submissions from 3 submitters: Uncertain significance (3). Last evaluated 2022-01-04.

Allele frequency attached by ClinVar (database versions not stated): TOPMed 0.00001; gnomAD 0.00002.
gnomAD v4.1: 22 of 1,549,696 alleles (0.0014%); highest among the groups gnomAD compares: Non-Finnish European, 0.0018%; no homozygotes.

Submissions (3):

Labcorp Genetics (formerly Invitae), Labcorp
Classification: Uncertain significance. Last evaluated: 2022-01-04. Review status: criteria provided, single submitter. Criteria: Invitae Variant Classification Sherloc (09022015). Collection method: clinical testing. Allele origin: germline.
Comment: This sequence change replaces arginine, which is basic and polar, with tryptophan, which is neutral and slightly polar, at codon 1213 of the MYO7A protein (p.Arg1213Trp). The frequency data for this variant in the population databases is considered unreliable, as metrics indicate poor data quality at this position in the gnomAD database. This variant has not been reported in the literature in individuals affected with MYO7A-related conditions. Advanced modeling of protein sequence and biophysical properties (such as structural, functional, and spatial information, amino acid conservation, physicochemical variation, residue mobility, and thermodynamic stability) performed at Invitae indicates that this missense variant is not expected to disrupt MYO7A protein function. In summary, the available evidence is currently insufficient to determine the role of this variant in disease. Therefore, it has been classified as a Variant of Uncertain Significance.

Revvity Omics, Revvity
Classification: Uncertain significance. Last evaluated: 2020-12-18. Review status: criteria provided, single submitter. Criteria: ACMG Guidelines, 2015. Collection method: clinical testing. Allele origin: germline.

Blueprint Genetics
Classification: Uncertain significance. Last evaluated: 2018-04-11. Review status: criteria provided, single submitter. Criteria: ACMG Guidelines, 2015. Collection method: clinical testing. Allele origin: germline.